The following is an entry in ClinVar:

NM_001098.3(ACO2):c.2040C>A (p.His680Gln)

Genes: ACO2 (aconitase 2; plus strand), POLR3H (RNA polymerase III subunit H; minus strand). Cytogenetic location: 22q13.2.
Variant type: single nucleotide variant.
Coding change: c.2040C>A on transcript NM_001098.3 (MANE Select); coding-DNA position 2040, C replaced by A.
Protein change: p.His680Gln; replaces histidine 680 with glutamine.
Molecular consequence: missense variant. On other transcripts: 3 prime UTR variant (5).
Genome position (GRCh38, 1-based): chr22:41,527,374, C>A. VCF-style: chr22-41527374-C-A. GRCh37 (hg19) VCF-style: chr22-41923378-C-A.
Other names: c.*1909G>T (NM_001018050.4, NM_001018052.4, NM_001282884.2 and 2 more transcripts); short protein forms H680Q.
Identifiers: ClinVar variation 2124610 (VCV002124610.4), dbSNP rs2066623144, ClinGen allele CA411728973.

ClinVar aggregate classification (germline): Uncertain significance (1 of 4 stars; one submission).

Submission:

Labcorp Genetics (formerly Invitae), Labcorp
Classification: Uncertain significance. Last evaluated: 2023-12-18. Review status: criteria provided, single submitter. Criteria: Invitae Variant Classification Sherloc (09022015). Collection method: clinical testing. Allele origin: germline.
Comment: This sequence change replaces histidine, which is basic and polar, with glutamine, which is neutral and polar, at codon 680 of the ACO2 protein (p.His680Gln). This variant is not present in population databases (gnomAD no frequency). This variant has not been reported in the literature in individuals affected with ACO2-related conditions. ClinVar contains an entry for this variant (Variation ID: 2124610). Advanced modeling of protein sequence and biophysical properties (such as structural, functional, and spatial information, amino acid conservation, physicochemical variation, residue mobility, and thermodynamic stability) performed at Invitae indicates that this missense variant is expected to disrupt ACO2 protein function with a positive predictive value of 80%. In summary, the available evidence is currently insufficient to determine the role of this variant in disease. Therefore, it has been classified as a Variant of Uncertain Significance.